The following is an entry in ClinVar:

NM_052872.4(IL17F):c.274C>T (p.Arg92Trp)

Gene: IL17F (interleukin 17F; minus strand). Cytogenetic location: 6p12.2.
Variant type: single nucleotide variant.
Coding change: c.274C>T on transcript NM_052872.4 (MANE Select); coding-DNA position 274, C replaced by T.
Protein change: p.Arg92Trp; replaces arginine 92 with tryptophan.
Molecular consequence: missense variant.
Genome position (GRCh38, 1-based): chr6:52,237,149, G>A on the plus strand (C>T on the coding strand, the complement: IL17F is on the minus strand). VCF-style: chr6-52237149-G-A. GRCh37 (hg19) VCF-style: chr6-52101947-G-A.
Other names: short protein forms R92W.
Identifiers: ClinVar variation 1500904 (VCV001500904.6), dbSNP rs142962486, ClinGen allele CA3854389.

ClinVar aggregate classification (germline): Uncertain significance (1 of 4 stars; one submission).

Conditions:
Candidiasis, familial, 6 (CANDF6). Also called: Candidiasis, familial, 6, autosomal dominant. Identifiers: Orphanet 1334, MedGen C3151405, MONDO:0013503, OMIM 613956.

Allele frequency attached by ClinVar (database versions not stated): gnomAD 0.00010 and 0.00011; TOPMed 0.00011; ESP Exome Variant Server 0.00015; 1000 Genomes Project 30x 0.00047; 1000 Genomes Project 0.00060.

Submission:

Labcorp Genetics (formerly Invitae), Labcorp
Classification: Uncertain significance for Candidiasis, familial, 6. Last evaluated: 2026-01-06. Review status: criteria provided, single submitter. Criteria: Invitae Variant Classification Sherloc (09022015). Collection method: clinical testing. Allele origin: germline.
Comment: This sequence change replaces arginine, which is basic and polar, with tryptophan, which is neutral and slightly polar, at codon 92 of the IL17F protein (p.Arg92Trp). This variant is present in population databases (rs142962486, gnomAD 0.04%). This missense change has been observed in individual(s) with primary immunodeficiency (PMID: 30290665). ClinVar contains an entry for this variant (Variation ID: 1500904). An algorithm developed to predict the effect of missense changes on protein structure and function (PolyPhen-2) suggests that this variant is likely to be disruptive. In summary, the available evidence is currently insufficient to determine the role of this variant in disease. Therefore, it has been classified as a Variant of Uncertain Significance.

Literature cited by the submitters: PubMed 30290665.